The following is an entry in ClinVar:

NM_001366521.1(ATP2B1):c.2749T>C (p.Tyr917His)

Gene: ATP2B1 (ATPase plasma membrane Ca2+ transporting 1; minus strand). Cytogenetic location: 12q21.33.
Variant type: single nucleotide variant.
Coding change: c.2749T>C on transcript NM_001366521.1 (MANE Select); coding-DNA position 2749, T replaced by C.
Protein change: p.Tyr917His; replaces tyrosine 917 with histidine.
Molecular consequence: missense variant.
Genome position (GRCh38, 1-based): chr12:89,603,811, A>G on the plus strand (T>C on the coding strand, the complement: ATP2B1 is on the minus strand). VCF-style: chr12-89603811-A-G. GRCh37 (hg19) VCF-style: chr12-89997588-A-G.
Other names: c.2749T>C, p.Tyr917His (NM_001001323.2, NM_001366520.1, NM_001366522.1 and 12 more transcripts); c.2551T>C, p.Tyr851His (NM_001366530.1, NM_001413053.1); c.2188T>C, p.Tyr730His (NM_001366531.1, NM_001366532.1, NM_001413058.1 and 2 more transcripts); c.2710T>C, p.Tyr904His (NM_001413048.1); c.2608T>C, p.Tyr870His (NM_001413051.1, NM_001413052.1, NM_001413055.1); c.2506T>C, p.Tyr836His (NM_001413054.1); c.2494T>C, p.Tyr832His (NM_001413056.1); c.2296T>C, p.Tyr766His (NM_001413057.1); short protein forms Y730H, Y766H, Y832H, Y836H, Y851H, Y870H, Y904H, Y917H.
Identifiers: ClinVar variation 1878884 (VCV001878884.1), dbSNP rs2540797362, ClinGen allele CA386003008.
Genomic context (GRCh38, chr12:89,603,811, plus strand): 5'-ATGCATGACCCAAAATATTCTTCATCATTGTACGTGAGATGAGAGGCTTATTTCTACCAT[A>G]AGGTTTCCGAAGCAAGAGAGACTCAGTGGGTGGTTCCGTTGCCAGAGCCAGGGAAGCGAG-3'
Protein context (NP_001353450.1, residues 907-927): PTESLLLRKP[Tyr917His]GRNKPLISRT

ClinVar aggregate classification (germline): Uncertain significance (1 of 4 stars; one submission).

Submission:

GeneDx
Classification: Uncertain significance. Last evaluated: 2022-07-15. Review status: criteria provided, single submitter. Criteria: GeneDx Variant Classification Process June 2021. Collection method: clinical testing. Allele origin: germline. Affected: yes.
Comment: Not observed at significant frequency in large population cohorts (gnomAD); In silico analysis supports that this missense variant has a deleterious effect on protein structure/function; Has not been previously published as pathogenic or benign to our knowledge